The following is an entry in ClinVar:

ClinVar aggregate classification (germline): Conflicting classifications of pathogenicity. Review status: criteria provided, conflicting classifications (1 of 4 stars). 5 submissions from 5 submitters: Uncertain significance (2); Likely benign (3). Last evaluated 2025-11-17.

Conditions:
Inborn genetic diseases. Identifiers: MedGen C0950123, MeSH D030342.
Cerebellar atrophy, visual impairment, and psychomotor retardation;. Also called: Cerebellar atrophy, visual impairment, and psychomotor retardation. Identifiers: MedGen C4225172, MONDO:0014811, OMIM 616875.

Allele frequency attached by ClinVar (database versions not stated): TOPMed 0.00005; ExAC 0.00007; gnomAD 0.00007 and 0.00008; gnomAD exomes 0.00007 and 0.00008; ESP Exome Variant Server 0.00015.
gnomAD v4.1: 121 of 1,614,032 alleles (0.0075%); highest among the groups gnomAD compares: Middle Eastern, 0.099%; 1 homozygote.

Submissions (5):

Labcorp Genetics (formerly Invitae), Labcorp
Classification: Uncertain significance. Last evaluated: 2025-11-17. Review status: criteria provided, single submitter. Criteria: Invitae Variant Classification Sherloc (09022015). Collection method: clinical testing. Allele origin: germline.
Comment: This sequence change replaces alanine, which is neutral and non-polar, with threonine, which is neutral and polar, at codon 750 of the EMC1 protein (p.Ala750Thr). This variant is present in population databases (rs148338469, gnomAD 0.02%). This variant has not been reported in the literature in individuals affected with EMC1-related conditions. ClinVar contains an entry for this variant (Variation ID: 1019129). An algorithm developed to predict the effect of missense changes on protein structure and function outputs the following: PolyPhen-2: "Benign". The threonine amino acid residue is found in multiple mammalian species, which suggests that this missense change does not adversely affect protein function. In summary, the available evidence is currently insufficient to determine the role of this variant in disease. Therefore, it has been classified as a Variant of Uncertain Significance.

Blueprint Genetics
Classification: Likely benign. Last evaluated: 2024-11-21. Review status: criteria provided, single submitter. Criteria: ACMG Guidelines, 2015. Collection method: clinical testing. Allele origin: germline.

CeGaT Center for Human Genetics Tuebingen
Classification: Likely benign. Last evaluated: 2024-08-01. Review status: criteria provided, single submitter. Criteria: CeGaT Center For Human Genetics Tuebingen Variant Classification Criteria Version 2. Collection method: clinical testing. Allele origin: germline. Affected: yes. Observed: 1 variant allele.
Comment: EMC1: BP4

Ambry Genetics
Classification: Likely benign for Inborn genetic diseases. Last evaluated: 2022-12-19. Review status: criteria provided, single submitter. Criteria: Ambry Variant Classification Scheme 2023. Collection method: clinical testing. Allele origin: germline.

Baylor Genetics
Classification: Uncertain significance for Cerebellar atrophy, visual impairment, and psychomotor retardation;. Last evaluated: 2019-12-09. Review status: criteria provided, single submitter. Criteria: ACMG Guidelines, 2015. Collection method: clinical testing. Allele origin: unknown. Affected: yes.
Comment: This variant was determined to be of uncertain significance according to ACMG Guidelines, 2015 [PMID:25741868].

NM_015047.3(EMC1):c.2248G>A (p.Ala750Thr)

Genes: EMC1 (ER membrane protein complex subunit 1; minus strand), EMC1-AS1 (EMC1 antisense RNA 1; plus strand). Cytogenetic location: 1p36.13.
Variant type: single nucleotide variant.
Coding change: c.2248G>A on transcript NM_015047.3 (MANE Select); coding-DNA position 2248, G replaced by A.
Protein change: p.Ala750Thr; replaces alanine 750 with threonine.
Molecular consequence: missense variant.
Genome position (GRCh38, 1-based): chr1:19,223,524, C>T on the plus strand (G>A on the coding strand, the complement: EMC1 is on the minus strand). VCF-style: chr1-19223524-C-T. GRCh37 (hg19) VCF-style: chr1-19550018-C-T.
Other names: c.2245G>A, p.Ala749Thr (NM_001271427.2, NM_001271428.2); c.2182G>A, p.Ala728Thr (NM_001271429.2); c.2257G>A, p.Ala753Thr (NM_001375820.1); c.2254G>A, p.Ala752Thr (NM_001375821.1); c.2248G>A (NM_015047.1); short protein forms A728T, A749T, A750T, A752T, A753T.
Identifiers: ClinVar variation 1019129 (VCV001019129.25), dbSNP rs148338469, ClinGen allele CA652339.